The following is an entry in ClinVar:

NM_001875.5(CPS1):c.1961A>T (p.Asp654Val)

Gene: CPS1 (carbamoyl-phosphate synthase 1; plus strand). Cytogenetic location: 2q34.
Variant type: single nucleotide variant.
Coding change: c.1961A>T on transcript NM_001875.5 (MANE Select); coding-DNA position 1961, A replaced by T.
Protein change: p.Asp654Val; replaces aspartic acid 654 with valine.
Molecular consequence: missense variant. On other transcripts: non-coding transcript variant (2).
Genome position (GRCh38, 1-based): chr2:210,605,226, A>T. VCF-style: chr2-210605226-A-T. GRCh37 (hg19) VCF-style: chr2-211469950-A-T.
Other names: c.1961A>T, p.Asp654Val (NM_001122633.3, NM_001369257.1); c.1994A>T, p.Asp665Val (NM_001369256.1); short protein forms D654V, D665V.
Identifiers: ClinVar variation 3907411 (VCV003907411.1).

ClinVar aggregate classification (germline): Uncertain significance (1 of 4 stars; one submission).

Submission:

Women's Health and Genetics/Laboratory Corporation of America, LabCorp
Classification: Uncertain significance. Last evaluated: 2025-06-03. Review status: criteria provided, single submitter. Criteria: LabCorp Variant Classification Summary - May 2015. Collection method: clinical testing. Allele origin: germline.
Comment: Variant summary: CPS1 c.1961A>T (p.Asp654Val) results in a non-conservative amino acid change in the encoded protein sequence. Algorithms developed to predict the effect of missense changes on protein structure and function all suggest that this variant is likely to be disruptive. The variant was absent in 250666 control chromosomes. The available data on variant occurrences in the general population are insufficient to allow any conclusion about variant significance. c.1961A>T has been observed in at least one individual affected with Carbamoylphosphate Synthetase I Deficiency (Haberle_2011). These report(s) do not provide unequivocal conclusions about association of the variant with Carbamoylphosphate Synthetase I Deficiency. To our knowledge, no experimental evidence demonstrating an impact on protein function has been reported. The following publication has been ascertained in the context of this evaluation (PMID: 21120950). No submitters have cited clinical-significance assessments for this variant to ClinVar. Based on the evidence outlined above, the variant was classified as uncertain significance.

Literature cited by the submitters: PubMed 21120950.